The following is an entry in ClinVar:

NM_019066.5(MAGEL2):c.2216del (p.Ser738_Ser739insTer)

Gene: MAGEL2 (MAGE family member L2; minus strand). Cytogenetic location: 15q11.2.
Variant type: Deletion.
Coding change: c.2216del on transcript NM_019066.5 (MANE Select); coding-DNA position 2216, one base deleted (C; older notation c.2216delC).
Protein change: p.Ser738_Ser739insTer.
Molecular consequence: nonsense.
Genome position (GRCh38, 1-based): chr15:23,645,527, G deleted on the plus strand (C on the coding strand, the reverse complement: MAGEL2 is on the minus strand). VCF-style (leftmost placement, unchanged base first): chr15-23645526-CG-C. GRCh37 (hg19) VCF-style: chr15-23890673-CG-C.
Identifiers: ClinVar variation 1320254 (VCV001320254.1), dbSNP rs2140714112, ClinGen allele CA2573053970.

ClinVar aggregate classification (germline): Pathogenic (1 of 4 stars; one submission).

Conditions:
Schaaf-Yang syndrome (SHFYNG). Also called: Arthrogryposis, distal, with hypopituitarism, intellectual disability, and facial anomalies; MAGEL2-related Prader-Willi-like syndrome. Identifiers: Orphanet 398069, MedGen C5575066, MONDO:0014243, OMIM 615547.

Submission:

3billion
Classification: Pathogenic for Schaaf-Yang syndrome. Last evaluated: 2021-10-02. Review status: criteria provided, single submitter. Criteria: ACMG Guidelines, 2015. Collection method: clinical testing. Allele origin: germline. Affected: yes. Observed: 1 heterozygote.
Comment: Stop-gained (nonsense): predicted to result in a loss or disruption of normal protein function through nonsense-mediated decay (NMD) or protein truncation. Multiple pathogenic variants are reported downstream of the variant (PVS1_VS). It is not observed in the gnomAD v2.1.1 dataset (PM2). The variant was observed as assumed (i.e. paternity and maternity not confirmed) de novoo (3billion dataset, PM6). Therefore, this variant is classified as pathogenic according to the recommendation of ACMG/AMP guideline.